The following is an entry in ClinVar:

ClinVar aggregate classification (germline): Uncertain significance (1 of 4 stars; one submission).

Conditions:
3-Methylglutaconic aciduria type 2 (BTHS). Also called: CARDIOSKELETAL MYOPATHY WITH NEUTROPENIA AND ABNORMAL MITOCHONDRIA; Barth syndrome. Identifiers: Orphanet 111, MedGen C0574083, MONDO:0010543, OMIM 302060.

Submission:

Labcorp Genetics (formerly Invitae), Labcorp
Classification: Uncertain significance for 3-Methylglutaconic aciduria type 2. Last evaluated: 2024-10-16. Review status: criteria provided, single submitter. Criteria: Invitae Variant Classification Sherloc (09022015). Collection method: clinical testing. Allele origin: germline.
Comment: This sequence change replaces threonine, which is neutral and polar, with isoleucine, which is neutral and non-polar, at codon 236 of the TAZ protein (p.Thr236Ile). This variant is not present in population databases (gnomAD no frequency). This variant has not been reported in the literature in individuals affected with TAZ-related conditions. ClinVar contains an entry for this variant (Variation ID: 2032873). An algorithm developed to predict the effect of missense changes on protein structure and function (PolyPhen-2) suggests that this variant is likely to be disruptive. In summary, the available evidence is currently insufficient to determine the role of this variant in disease. Therefore, it has been classified as a Variant of Uncertain Significance.

NM_000116.5(TAFAZZIN):c.707C>T (p.Thr236Ile)

Gene: TAFAZZIN (tafazzin, phospholipid-lysophospholipid transacylase; plus strand). Cytogenetic location: Xq28.
Variant type: single nucleotide variant.
Coding change: c.707C>T on transcript NM_000116.5 (MANE Select); coding-DNA position 707, C replaced by T.
Protein change: p.Thr236Ile; replaces threonine 236 with isoleucine.
Molecular consequence: missense variant. On other transcripts: non-coding transcript variant (1).
Genome position (GRCh38, 1-based): chrX:154,420,665, C>T. VCF-style: chrX-154420665-C-T. GRCh37 (hg19) VCF-style: chrX-153649004-C-T.
Other names: c.719C>T, p.Thr240Ile (NM_001303465.2); c.671C>T, p.Thr224Ile (NM_001410698.1); c.617C>T, p.Thr206Ile (NM_181311.4); c.665C>T, p.Thr222Ile (NM_181312.4); c.575C>T, p.Thr192Ile (NM_181313.4); short protein forms T192I, T222I, T224I, T206I, T236I, T240I.
Identifiers: ClinVar variation 2032873 (VCV002032873.4), dbSNP rs868954257, ClinGen allele CA415185343.